The following is an entry in ClinVar:

NM_002769.5(PRSS1):c.233T>C (p.Ile78Thr)

Genes: PRSS1 (serine protease 1; plus strand), TRB (T cell receptor beta locus; plus strand). Cytogenetic location: 7q34.
Variant type: single nucleotide variant.
Coding change: c.233T>C on transcript NM_002769.5 (MANE Select); coding-DNA position 233, T replaced by C.
Protein change: p.Ile78Thr; replaces isoleucine 78 with threonine.
Molecular consequence: missense variant. On other transcripts: non-coding transcript variant (2).
Genome position (GRCh38, 1-based): chr7:142,751,806, T>C. VCF-style: chr7-142751806-T-C. GRCh37 (hg19) VCF-style: chr7-142459657-T-C.
Other names: short protein forms I78T.
Identifiers: ClinVar variation 3426327 (VCV003426327.1).

ClinVar aggregate classification (germline): Uncertain significance (1 of 4 stars; one submission).

Conditions:
Hereditary pancreatitis (PCTT). Also called: Hereditary chronic pancreatitis; PRSS1-Related Hereditary Pancreatitis. Identifiers: Orphanet 676, MedGen C0238339, MONDO:0008185, OMIM 167800.

Submission:

Ambry Genetics
Classification: Uncertain significance for Hereditary pancreatitis. Last evaluated: 2024-09-12. Review status: criteria provided, single submitter. Criteria: Ambry Variant Classification Scheme 2023. Collection method: clinical testing. Allele origin: germline.
Comment: The p.I78T variant (also known as c.233T>C), located in coding exon 3 of the PRSS1 gene, results from a T to C substitution at nucleotide position 233. The isoleucine at codon 78 is replaced by threonine, an amino acid with similar properties. This amino acid position is conserved. In addition, the in silico prediction for this alteration is inconclusive. Based on the available evidence, the clinical significance of this variant remains unclear.